The following is an entry in ClinVar:

ClinVar aggregate classification (germline): Uncertain significance (1 of 4 stars; one submission).

Conditions:
Peroxisome biogenesis disorder. Identifiers: Orphanet 79189, MedGen C1832200, MONDO:0019234. Disease mechanism: loss of function.

Submission:

Labcorp Genetics (formerly Invitae), Labcorp
Classification: Uncertain significance for Peroxisome biogenesis disorder. Last evaluated: 2024-02-26. Review status: criteria provided, single submitter. Criteria: Invitae Variant Classification Sherloc (09022015). Collection method: clinical testing. Allele origin: germline.
Comment: This sequence change replaces phenylalanine, which is neutral and non-polar, with tyrosine, which is neutral and polar, at codon 515 of the PEX6 protein (p.Phe515Tyr). This variant is present in population databases (rs778534336, gnomAD 0.006%). This variant has not been reported in the literature in individuals affected with PEX6-related conditions. ClinVar contains an entry for this variant (Variation ID: 1372498). Advanced modeling of protein sequence and biophysical properties (such as structural, functional, and spatial information, amino acid conservation, physicochemical variation, residue mobility, and thermodynamic stability) has been performed at Invitae for this missense variant, however the output from this modeling did not meet the statistical confidence thresholds required to predict the impact of this variant on PEX6 protein function. In summary, the available evidence is currently insufficient to determine the role of this variant in disease. Therefore, it has been classified as a Variant of Uncertain Significance.

NM_000287.4(PEX6):c.1544T>A (p.Phe515Tyr)

Gene: PEX6 (peroxisomal biogenesis factor 6; minus strand). Cytogenetic location: 6p21.1.
Variant type: single nucleotide variant.
Coding change: c.1544T>A on transcript NM_000287.4 (MANE Select); coding-DNA position 1544, T replaced by A.
Protein change: p.Phe515Tyr; replaces phenylalanine 515 with tyrosine.
Molecular consequence: missense variant. On other transcripts: non-coding transcript variant (1).
Genome position (GRCh38, 1-based): chr6:42,968,434, A>T on the plus strand (T>A on the coding strand, the complement: PEX6 is on the minus strand). VCF-style: chr6-42968434-A-T. GRCh37 (hg19) VCF-style: chr6-42936172-A-T.
Other names: c.1280T>A, p.Phe427Tyr (NM_001316313.2); short protein forms F515Y, F427Y.
Identifiers: ClinVar variation 1372498 (VCV001372498.5), dbSNP rs778534336, ClinGen allele CA3811302.